The following is an entry in ClinVar:

NM_017617.5(NOTCH1):c.5374G>A (p.Val1792Met)

Gene: NOTCH1 (notch receptor 1; minus strand). Cytogenetic location: 9q34.3.
Variant type: single nucleotide variant.
Coding change: c.5374G>A on transcript NM_017617.5 (MANE Select); coding-DNA position 5374, G replaced by A.
Protein change: p.Val1792Met; replaces valine 1792 with methionine.
Molecular consequence: missense variant.
Genome position (GRCh38, 1-based): chr9:136,502,282, C>T on the plus strand (G>A on the coding strand, the complement: NOTCH1 is on the minus strand). VCF-style: chr9-136502282-C-T. GRCh37 (hg19) VCF-style: chr9-139396734-C-T.
Other names: c.5374G>A (NM_017617.3); short protein forms V1792M.
Identifiers: ClinVar variation 1420812 (VCV001420812.9), dbSNP rs771399165, ClinGen allele CA5340325.

ClinVar aggregate classification (germline): Conflicting classifications of pathogenicity. Review status: criteria provided, conflicting classifications (1 of 4 stars). 2 submissions from 2 submitters: Uncertain significance (1); Likely benign (1). Last evaluated 2026-03-29.

Conditions:
Adams-Oliver syndrome 5 (AOS5). Identifiers: Orphanet 974, MedGen C4014970, MONDO:0014459, OMIM 616028.
Familial thoracic aortic aneurysm and aortic dissection (TAAD). Also called: Thoracic aortic aneurysms and dissections. Identifiers: Orphanet 91387, MedGen C4707243, MONDO:0019625.

Allele frequency attached by ClinVar (database versions not stated): gnomAD exomes 0.00001 and 0.00002; ExAC 0.00004; gnomAD 0.00001.
gnomAD v4.1: 12 of 1,611,796 alleles (0.00074%); highest among the groups gnomAD compares: South Asian, 0.0033%; no homozygotes.

Submissions (2):

Ambry Genetics
Classification: Uncertain significance for Familial thoracic aortic aneurysm and aortic dissection. Last evaluated: 2026-03-29. Review status: criteria provided, single submitter. Criteria: Ambry Variant Classification Scheme 2023. Collection method: clinical testing. Allele origin: germline.
Comment: The p.V1792M variant (also known as c.5374G>A), located in coding exon 28 of the NOTCH1 gene, results from a G to A substitution at nucleotide position 5374. The valine at codon 1792 is replaced by methionine, an amino acid with highly similar properties. This amino acid position is conserved. In addition, the in silico prediction for this alteration is inconclusive. Based on the available evidence, the clinical significance of this variant remains unclear.

Labcorp Genetics (formerly Invitae), Labcorp
Classification: Likely benign for Adams-Oliver syndrome 5. Last evaluated: 2022-12-06. Review status: criteria provided, single submitter. Criteria: Invitae Variant Classification Sherloc (09022015). Collection method: clinical testing. Allele origin: germline.